The following is an entry in ClinVar:

ClinVar aggregate classification (germline): Uncertain significance. Review status: criteria provided, multiple submitters, no conflicts (2 of 4 stars). 2 submissions from 2 submitters: Uncertain significance (2). Last evaluated 2024-06-24.

Conditions:
Familial cancer of breast. Also called: BREAST CANCER, FAMILIAL; Hereditary breast cancer; hereditary breast carcinoma. Identifiers: Orphanet 227535, MedGen C0346153, MONDO:0016419, OMIM 114480. Disease mechanism: loss of function.
Hereditary cancer-predisposing syndrome. Also called: Neoplastic Syndromes, Hereditary; Hereditary Cancer Syndrome; Hereditary neoplastic syndrome; Tumor predisposition. Identifiers: Orphanet 140162, MedGen C0027672, MeSH D009386, MONDO:0015356.

Allele frequency attached by ClinVar (database versions not stated): gnomAD 0.00001.
gnomAD v4.1: 2 of 1,556,638 alleles (0.00013%); highest among the groups gnomAD compares: African/African-American, 0.0014%; no homozygotes.

Submissions (2):

Labcorp Genetics (formerly Invitae), Labcorp
Classification: Uncertain significance for Familial cancer of breast. Last evaluated: 2024-06-24. Review status: criteria provided, single submitter. Criteria: Invitae Variant Classification Sherloc (09022015). Collection method: clinical testing. Allele origin: germline.
Comment: This sequence change replaces glutamic acid, which is acidic and polar, with glutamine, which is neutral and polar, at codon 273 of the CHEK2 protein (p.Glu273Gln). The frequency data for this variant in the population databases is considered unreliable, as metrics indicate poor data quality at this position in the gnomAD database. This variant has not been reported in the literature in individuals affected with CHEK2-related conditions. ClinVar contains an entry for this variant (Variation ID: 460857). An algorithm developed to predict the effect of missense changes on protein structure and function (PolyPhen-2) suggests that this variant is likely to be disruptive. In summary, the available evidence is currently insufficient to determine the role of this variant in disease. Therefore, it has been classified as a Variant of Uncertain Significance.

Ambry Genetics
Classification: Uncertain significance for Hereditary cancer-predisposing syndrome. Last evaluated: 2023-09-09. Review status: criteria provided, single submitter. Criteria: Ambry Variant Classification Scheme 2023. Collection method: clinical testing. Allele origin: germline.
Comment: The p.E273Q variant (also known as c.817G>C), located in coding exon 6 of the CHEK2 gene, results from a G to C substitution at nucleotide position 817. The glutamic acid at codon 273 is replaced by glutamine, an amino acid with highly similar properties. This amino acid position is highly conserved in available vertebrate species. In addition, this alteration is predicted to be deleterious by in silico analysis. Since supporting evidence is limited at this time, the clinical significance of this alteration remains unclear.

NM_007194.4(CHEK2):c.817G>C (p.Glu273Gln)

Gene: CHEK2 (checkpoint kinase 2; minus strand). Cytogenetic location: 22q12.1.
Variant type: single nucleotide variant.
Coding change: c.817G>C on transcript NM_007194.4 (MANE Select); coding-DNA position 817, G replaced by C.
Protein change: p.Glu273Gln; replaces glutamic acid 273 with glutamine.
Molecular consequence: missense variant.
Genome position (GRCh38, 1-based): chr22:28,710,035, C>G on the plus strand (G>C on the coding strand, the complement: CHEK2 is on the minus strand). VCF-style: chr22-28710035-C-G. GRCh37 (hg19) VCF-style: chr22-29106023-C-G.
Other names: c.946G>C, p.Glu316Gln (NM_001005735.3); c.154G>C, p.Glu52Gln (NM_001257387.3); c.616G>C, p.Glu206Gln (NM_001349956.3); c.817G>C, p.Glu273Gln (NM_145862.3); short protein forms E273Q, E52Q, E206Q, E316Q.
Identifiers: ClinVar variation 460857 (VCV000460857.12), dbSNP rs587782152, ClinGen allele CA411102424.